The following is an entry in ClinVar:

ClinVar aggregate classification (germline): Likely benign. Review status: criteria provided, multiple submitters, no conflicts (2 of 4 stars). 2 submissions from 2 submitters: Likely benign (2). Last evaluated 2025-03-17.

Conditions:
CFAP410-related disorder. Also called: CFAP410-related condition.

Allele frequency attached by ClinVar (database versions not stated): gnomAD exomes 0.00001 and 0.00003; ExAC 0.00002; gnomAD 0.00003 and 0.00004; TOPMed 0.00005; ESP Exome Variant Server 0.00008.
gnomAD v4.1: 56 of 1,603,220 alleles (0.0035%); highest among the groups gnomAD compares: Non-Finnish European, 0.0045%; no homozygotes.

Submissions (2):

Labcorp Genetics (formerly Invitae), Labcorp
Classification: Likely benign. Last evaluated: 2025-03-17. Review status: criteria provided, single submitter. Criteria: Invitae Variant Classification Sherloc (09022015). Collection method: clinical testing. Allele origin: germline.

PreventionGenetics, part of Exact Sciences
Classification: Likely benign for CFAP410-related condition. Last evaluated: 2024-11-08. Review status: criteria provided, single submitter. Criteria: ACMG Guidelines, 2015. Collection method: clinical testing. Allele origin: germline.
Comment: This variant is classified as likely benign based on ACMG/AMP sequence variant interpretation guidelines (Richards et al. 2015 PMID: 25741868, with internal and published modifications).

NM_004928.3(CFAP410):c.391C>T (p.Leu131=)

Gene: CFAP410 (cilia and flagella associated protein 410; minus strand). Cytogenetic location: 21q22.3.
Variant type: single nucleotide variant.
Coding change: c.391C>T on transcript NM_004928.3 (MANE Select); coding-DNA position 391, C replaced by T.
Protein change: p.Leu131=; no amino-acid change (leucine 131 retained).
Molecular consequence: synonymous variant.
Genome position (GRCh38, 1-based): chr21:44,331,997, G>A on the plus strand (C>T on the coding strand, the complement: CFAP410 is on the minus strand). VCF-style: chr21-44331997-G-A. GRCh37 (hg19) VCF-style: chr21-45751880-G-A.
Other names: c.391C>T, p.Leu131= (NM_001271440.2, NM_001271441.2); c.268C>T, p.Leu90= (NM_001271442.1); c.391C>T (NM_004928.2).
Identifiers: ClinVar variation 1160243 (VCV001160243.10), dbSNP rs146572662, ClinGen allele CA10053685.
Genomic context (GRCh38, chr21:44,331,997, plus strand): 5'-CTGTGCCCTCTCTCTCTGGGGCCGCAGTGATCTCCTCTCCCTCACTCAGTGCACGGGACA[G>A]CTCCTCCTCCGTCACAGCTTTGGGATGAAAGACAGAAGACAGCATGAGTGGCCTCACCCA-3'
Protein context (NP_004919.1, residues 121-141): LDNQAVTEEE[Leu131=]SRALSEGEEI